The following is an entry in ClinVar:

NM_020812.4(DOCK6):c.4759C>T (p.Arg1587Trp)

Genes: DOCK6 (dedicator of cytokinesis 6; minus strand), DOCK6-AS1 (DOCK6 antisense RNA 1; plus strand). Cytogenetic location: 19p13.2.
Variant type: single nucleotide variant.
Coding change: c.4759C>T on transcript NM_020812.4 (MANE Select); coding-DNA position 4759, C replaced by T.
Protein change: p.Arg1587Trp; replaces arginine 1587 with tryptophan.
Molecular consequence: missense variant.
Genome position (GRCh38, 1-based): chr19:11,209,096, G>A on the plus strand (C>T on the coding strand, the complement: DOCK6 is on the minus strand). VCF-style: chr19-11209096-G-A. GRCh37 (hg19) VCF-style: chr19-11319772-G-A.
Other names: c.4864C>T, p.Arg1622Trp (NM_001367830.1); short protein forms R1622W, R1587W.
Identifiers: ClinVar variation 2313972 (VCV002313972.4), dbSNP rs1352552434, ClinGen allele CA404078495.

ClinVar aggregate classification (germline): Uncertain significance. Review status: criteria provided, multiple submitters, no conflicts (2 of 4 stars). 2 submissions from 2 submitters: Uncertain significance (2). Last evaluated 2024-11-21.

Conditions:
Inborn genetic diseases. Identifiers: MedGen C0950123, MeSH D030342.

Allele frequency attached by ClinVar (database versions not stated): gnomAD exomes 0.00001.
gnomAD v4.1: 11 of 1,611,244 alleles (0.00068%); highest among the groups gnomAD compares: South Asian, 0.0033%; 1 homozygote.

Submissions (2):

Labcorp Genetics (formerly Invitae), Labcorp
Classification: Uncertain significance. Last evaluated: 2024-11-21. Review status: criteria provided, single submitter. Criteria: Invitae Variant Classification Sherloc (09022015). Collection method: clinical testing. Allele origin: germline.
Comment: This sequence change replaces arginine, which is basic and polar, with tryptophan, which is neutral and slightly polar, at codon 1587 of the DOCK6 protein (p.Arg1587Trp). The frequency data for this variant in the population databases is considered unreliable, as metrics indicate poor data quality at this position in the gnomAD database. This variant has not been reported in the literature in individuals affected with DOCK6-related conditions. ClinVar contains an entry for this variant (Variation ID: 2313972). Invitae Evidence Modeling of protein sequence and biophysical properties (such as structural, functional, and spatial information, amino acid conservation, physicochemical variation, residue mobility, and thermodynamic stability) indicates that this missense variant is expected to disrupt DOCK6 protein function with a positive predictive value of 80%. In summary, the available evidence is currently insufficient to determine the role of this variant in disease. Therefore, it has been classified as a Variant of Uncertain Significance.

Ambry Genetics
Classification: Uncertain significance for Inborn genetic diseases. Last evaluated: 2022-09-27. Review status: criteria provided, single submitter. Criteria: Ambry Variant Classification Scheme 2023. Collection method: clinical testing. Allele origin: germline.